The following is an entry in ClinVar:

NM_000046.5(ARSB):c.426G>C (p.Met142Ile)

Gene: ARSB (arylsulfatase B; minus strand). Cytogenetic location: 5q14.1.
Variant type: single nucleotide variant.
Coding change: c.426G>C on transcript NM_000046.5 (MANE Select); coding-DNA position 426, G replaced by C.
Protein change: p.Met142Ile; replaces methionine 142 with isoleucine.
Molecular consequence: missense variant.
Genome position (GRCh38, 1-based): chr5:78,969,079, C>G on the plus strand (G>C on the coding strand, the complement: ARSB is on the minus strand). VCF-style: chr5-78969079-C-G. GRCh37 (hg19) VCF-style: chr5-78264902-C-G.
Other names: c.426G>C, p.Met142Ile (NM_198709.3); short protein forms M142I.
Identifiers: ClinVar variation 559781 (VCV000559781.1), dbSNP rs1554088053, ClinGen allele CA360194088.

ClinVar aggregate classification (germline): Uncertain significance (1 of 4 stars; one submission).

Conditions:
Mucopolysaccharidosis type 6 (MPS6). Also called: N-ACETYLGALACTOSAMINE-4-SULFATASE DEFICIENCY; MPS VI; MPS 6; Maroteaux Lamy syndrome; ARSB DEFICIENCY; ARYLSULFATASE B DEFICIENCY. Identifiers: Orphanet 583, MedGen C0026709, MONDO:0009661, OMIM 253200.

Submission:

Laboratory of Diagnosis and Therapy of Lysosomal Disorders, University of Padova
Classification: Uncertain significance for Mucopolysaccharidosis type 6. Last evaluated: 2018-01-01. Review status: criteria provided, single submitter. Criteria: ACMG Guidelines, 2015. Collection method: curation. Allele origin: germline. Affected: yes.
Comment: Absent from GnomAD (PM2)

Literature cited by the submitters: PubMed 8541342; PubMed 30118150.